The following is an entry in ClinVar:

ClinVar aggregate classification (germline): Uncertain significance (1 of 4 stars; one submission).

Conditions:
Hereditary cancer-predisposing syndrome. Also called: Neoplastic Syndromes, Hereditary; Tumor predisposition; Hereditary Cancer Syndrome; Hereditary neoplastic syndrome. Identifiers: Orphanet 140162, MedGen C0027672, MeSH D009386, MONDO:0015356.

Submission:

Color Diagnostics, LLC DBA Color Health
Classification: Uncertain significance for Hereditary cancer-predisposing syndrome. Last evaluated: 2021-08-31. Review status: criteria provided, single submitter. Criteria: ACMG Guidelines, 2015. Collection method: clinical testing. Allele origin: germline.
Comment: This variant causes a T to C nucleotide substitution at the -11 position of intron 9 of the BAP1 gene. To our knowledge, functional studies have not been reported for this variant. This variant has not been reported in individuals affected with hereditary cancer in the literature. This variant has not been identified in the general population by the Genome Aggregation Database (gnomAD). The available evidence is insufficient to determine the role of this variant in disease conclusively. Therefore, this variant is classified as a Variant of Uncertain Significance.

NM_004656.4(BAP1):c.784-11T>C

Gene: BAP1 (BRCA1 associated deubiquitinase 1; minus strand). Cytogenetic location: 3p21.1.
Variant type: single nucleotide variant.
Coding change: c.784-11T>C on transcript NM_004656.4 (MANE Select); 11 bases into the intron before coding-DNA position 784, T replaced by C.
Molecular consequence: intron variant.
Genome position (GRCh38, 1-based): chr3:52,405,923, A>G on the plus strand (T>C on the coding strand, the complement: BAP1 is on the minus strand). VCF-style: chr3-52405923-A-G. GRCh37 (hg19) VCF-style: chr3-52439939-A-G.
Other names: c.730-11T>C (NM_001410772.1).
Identifiers: ClinVar variation 2774761 (VCV002774761.2), dbSNP rs2153227297, ClinGen allele CA2697556721.